The following is an entry in ClinVar:

NM_001351303.2(ZDHHC11B):c.690T>C (p.Thr230=)

Gene: ZDHHC11B (zDHHC palmitoyltransferase 11B (putative); minus strand). Cytogenetic location: 5p15.33.
Variant type: single nucleotide variant.
Coding change: c.690T>C on transcript NM_001351303.2 (MANE Select); coding-DNA position 690, T replaced by C.
Protein change: p.Thr230=; no amino-acid change (threonine 230 retained).
Molecular consequence: synonymous variant. On other transcripts: non-coding transcript variant (2).
Genome position (GRCh38, 1-based): chr5:748,498, A>G on the plus strand (T>C on the coding strand, the complement: ZDHHC11B is on the minus strand). VCF-style: chr5-748498-A-G. GRCh37 (hg19) VCF-style: chr5-748613-A-G.
Identifiers: ClinVar variation 2655254 (VCV002655254.24), dbSNP rs189921796, ClinGen allele CA3177799.

ClinVar aggregate classification (germline): Likely benign (1 of 4 stars; one submission).

Allele frequency attached by ClinVar (database versions not stated): ExAC 0.00118; 1000 Genomes Project 30x 0.00156.
gnomAD v4.1: 1,350 of 1,363,106 alleles (0.099%); highest among the groups gnomAD compares: Middle Eastern, 0.59%; 300 homozygotes.

Submission:

CeGaT Center for Human Genetics Tuebingen
Classification: Likely benign. Last evaluated: 2023-02-01. Review status: criteria provided, single submitter. Criteria: CeGaT Center For Human Genetics Tuebingen Variant Classification Criteria Version 2. Collection method: clinical testing. Allele origin: germline. Affected: yes. Observed: 1 variant allele.
Comment: ZDHHC11B: BP4, BP7, BS2